The following is an entry in ClinVar:

NM_005592.4(MUSK):c.1742T>A (p.Ile581Asn)

Gene: MUSK (muscle associated receptor tyrosine kinase; plus strand). Cytogenetic location: 9q31.3.
Variant type: single nucleotide variant.
Coding change: c.1742T>A on transcript NM_005592.4 (MANE Select); coding-DNA position 1742, T replaced by A.
Protein change: p.Ile581Asn; replaces isoleucine 581 with asparagine.
Molecular consequence: missense variant.
Genome position (GRCh38, 1-based): chr9:110,785,682, T>A. VCF-style: chr9-110785682-T-A. GRCh37 (hg19) VCF-style: chr9-113547962-T-A.
Other names: c.1484T>A, p.Ile495Asn (NM_001166280.2); c.1454T>A, p.Ile485Asn (NM_001166281.2); c.482T>A, p.Ile161Asn (NM_001369398.1); short protein forms I161N, I495N, I581N, I485N.
Identifiers: ClinVar variation 2585158 (VCV002585158.4), dbSNP rs1564291603, ClinGen allele CA374475934.

ClinVar aggregate classification (germline): Uncertain significance. Review status: criteria provided, multiple submitters, no conflicts (2 of 4 stars). 2 submissions from 2 submitters: Uncertain significance (2). Last evaluated 2024-01-04.

Conditions:
Fetal akinesia deformation sequence 1 (FADS1). Also called: Pena-Shokeir syndrome type I; Fetal akinesia sequence. Identifiers: Orphanet 994, MedGen C1276035, MONDO:0100101, OMIM 208150, HP:0001989.
Congenital myasthenic syndrome 9. Also called: Myasthenic syndrome, congenital, 9, associated with acetylcholine receptor deficiency. Identifiers: Orphanet 590, MedGen C4225368, MONDO:0014587, OMIM 616325.

Submissions (2):

Labcorp Genetics (formerly Invitae), Labcorp
Classification: Uncertain significance for Congenital myasthenic syndrome 9; Fetal akinesia deformation sequence 1. Last evaluated: 2024-01-04. Review status: criteria provided, single submitter. Criteria: Invitae Variant Classification Sherloc (09022015). Collection method: clinical testing. Allele origin: germline.
Comment: This sequence change replaces isoleucine, which is neutral and non-polar, with asparagine, which is neutral and polar, at codon 581 of the MUSK protein (p.Ile581Asn). This variant is not present in population databases (gnomAD no frequency). This missense change has been observed in individual(s) with congenital myasthenic syndrome (PMID: 29704306). ClinVar contains an entry for this variant (Variation ID: 2585158). Advanced modeling of protein sequence and biophysical properties (such as structural, functional, and spatial information, amino acid conservation, physicochemical variation, residue mobility, and thermodynamic stability) performed at Invitae indicates that this missense variant is expected to disrupt MUSK protein function with a positive predictive value of 80%. In summary, the available evidence is currently insufficient to determine the role of this variant in disease. Therefore, it has been classified as a Variant of Uncertain Significance.

Neuberg Centre For Genomic Medicine, NCGM
Classification: Uncertain significance for Congenital myasthenic syndrome 9. Review status: criteria provided, single submitter. Criteria: ACMG Guidelines, 2015. Collection method: clinical testing. Allele origin: germline. Inheritance: Autosomal recessive inheritance. Affected: yes.
Comment: The missense variant c.1742T>A (p.Ile581Asn) in MUSK gene has not been reported previously as a pathogenic variant nor as a benign variant, to our knowledge. The p.Ile581Asn variant is novel in gnomAD Exomes and 1000 Genomes. The amino acid Ile at position 581 is changed to a Asn changing protein sequence and it might alter its composition and physico-chemical properties. The amino acid change p.Ile581Asn in MUSK is predicted as conserved by GERP++ and PhyloP across 100 vertebrates. For these reasons, this variant has been classified as Uncertain Significance.

Literature cited by the submitters: PubMed 29704306 (cited by Labcorp Genetics (formerly Invitae), Labcorp).